The following is an entry in ClinVar:

ClinVar aggregate classification (germline): Likely pathogenic. Review status: criteria provided, multiple submitters, no conflicts (2 of 4 stars). 2 submissions from 2 submitters: Likely pathogenic (2). Last evaluated 2024-03-20.

Conditions:
Primary ciliary dyskinesia 3. Identifiers: Orphanet 244, MedGen C1837618, MONDO:0012085, OMIM 608644.
Primary ciliary dyskinesia. Also called: Ciliary dyskinesia. Identifiers: Orphanet 244, MedGen C0008780, MONDO:0016575, HP:0012265.

Allele frequency attached by ClinVar (database versions not stated): gnomAD exomes below 0.00001; ExAC 0.00001.
gnomAD v4.1: 1 of 1,610,148 alleles (0.000062%); highest among the groups gnomAD compares: South Asian, 0.0011%; no homozygotes.

Submissions (2):

Fulgent Genetics
Classification: Likely pathogenic for Primary ciliary dyskinesia 3. Last evaluated: 2024-03-20. Review status: criteria provided, single submitter. Criteria: ACMG Guidelines, 2015. Collection method: clinical testing. Allele origin: germline.

Labcorp Genetics (formerly Invitae), Labcorp
Classification: Likely pathogenic for Primary ciliary dyskinesia. Last evaluated: 2023-09-11. Review status: criteria provided, single submitter. Criteria: Invitae Variant Classification Sherloc (09022015). Collection method: clinical testing. Allele origin: germline.
Comment: This variant is present in population databases (rs756687157, gnomAD 0.003%). This sequence change affects an acceptor splice site in intron 28 of the DNAH5 gene. It is expected to disrupt RNA splicing. Variants that disrupt the donor or acceptor splice site typically lead to a loss of protein function (PMID: 16199547), and loss-of-function variants in DNAH5 are known to be pathogenic (PMID: 11788826, 16627867). This variant has not been reported in the literature in individuals affected with DNAH5-related conditions. ClinVar contains an entry for this variant (Variation ID: 2015354). Algorithms developed to predict the effect of sequence changes on RNA splicing suggest that this variant may disrupt the consensus splice site. In summary, the currently available evidence indicates that the variant is pathogenic, but additional data are needed to prove that conclusively. Therefore, this variant has been classified as Likely Pathogenic.

Literature cited by the submitters: PubMed 16199547 (cited by Labcorp Genetics (formerly Invitae), Labcorp); PubMed 11788826 (cited by Labcorp Genetics (formerly Invitae), Labcorp); PubMed 16627867 (cited by Labcorp Genetics (formerly Invitae), Labcorp).

NM_001369.3(DNAH5):c.4597-2A>T

Genes: DNAH5 (dynein axonemal heavy chain 5; minus strand), DNAH5-AS1 (DNAH5 antisense RNA 1; plus strand). Cytogenetic location: 5p15.2.
Variant type: single nucleotide variant.
Coding change: c.4597-2A>T on transcript NM_001369.3 (MANE Select); the canonical splice acceptor site of the intron before coding-DNA position 4597, A replaced by T.
Molecular consequence: splice acceptor variant.
Genome position (GRCh38, 1-based): chr5:13,862,749, T>A on the plus strand (A>T on the coding strand, the complement: DNAH5 is on the minus strand). VCF-style: chr5-13862749-T-A. GRCh37 (hg19) VCF-style: chr5-13862858-T-A.
Identifiers: ClinVar variation 2015354 (VCV002015354.5), dbSNP rs756687157, ClinGen allele CA3203922.